The following is an entry in ClinVar:

ClinVar aggregate classification (germline): Uncertain significance (1 of 4 stars; one submission).

gnomAD v4.1: 1 of 1,485,884 alleles (0.000067%); highest among the groups gnomAD compares: African/African-American, 0.0014%; no homozygotes.

Submission:

Labcorp Genetics (formerly Invitae), Labcorp
Classification: Uncertain significance. Last evaluated: 2023-11-13. Review status: criteria provided, single submitter. Criteria: Invitae Variant Classification Sherloc (09022015). Collection method: clinical testing. Allele origin: germline.
Comment: This sequence change falls in intron 15 of the CPLANE1 gene. It does not directly change the encoded amino acid sequence of the CPLANE1 protein. It affects a nucleotide within the consensus splice site. This variant is not present in population databases (gnomAD no frequency). This variant has not been reported in the literature in individuals affected with CPLANE1-related conditions. ClinVar contains an entry for this variant (Variation ID: 1479512). Variants that disrupt the consensus splice site are a relatively common cause of aberrant splicing (PMID: 17576681, 9536098). Algorithms developed to predict the effect of sequence changes on RNA splicing suggest that this variant may disrupt the consensus splice site. In summary, the available evidence is currently insufficient to determine the role of this variant in disease. Therefore, it has been classified as a Variant of Uncertain Significance.

Literature cited by the submitters: PubMed 17576681; PubMed 9536098.

NM_001384732.1(CPLANE1):c.2746+3A>T

Gene: CPLANE1 (ciliogenesis and planar polarity effector complex subunit 1; minus strand). Cytogenetic location: 5p13.2.
Variant type: single nucleotide variant.
Coding change: c.2746+3A>T on transcript NM_001384732.1 (MANE Select); 3 bases into the intron after coding-DNA position 2746, A replaced by T.
Molecular consequence: intron variant.
Genome position (GRCh38, 1-based): chr5:37,221,321, T>A on the plus strand (A>T on the coding strand, the complement: CPLANE1 is on the minus strand). VCF-style: chr5-37221321-T-A. GRCh37 (hg19) VCF-style: chr5-37221423-T-A.
Other names: c.2746+3A>T (NM_023073.4).
Identifiers: ClinVar variation 1479512 (VCV001479512.6), dbSNP rs2150360417, ClinGen allele CA2573139648.